The following is an entry in ClinVar:

NM_001080432.3(FTO):c.667A>G (p.Met223Val)

Gene: FTO (FTO alpha-ketoglutarate dependent dioxygenase; plus strand). Cytogenetic location: 16q12.2.
Variant type: single nucleotide variant.
Coding change: c.667A>G on transcript NM_001080432.3 (MANE Select); coding-DNA position 667, A replaced by G.
Protein change: p.Met223Val; replaces methionine 223 with valine.
Molecular consequence: missense variant.
Genome position (GRCh38, 1-based): chr16:53,826,407, A>G. VCF-style: chr16-53826407-A-G. GRCh37 (hg19) VCF-style: chr16-53860319-A-G.
Other names: c.667A>G, p.Met223Val (NM_001363891.2, NM_001363894.2, NM_001363896.2 and 6 more transcripts); c.589A>G, p.Met197Val (NM_001363897.2); c.154A>G, p.Met52Val (NM_001363905.2); short protein forms M223V, M197V, M52V.
Identifiers: ClinVar variation 1407011 (VCV001407011.6), dbSNP rs780601119, ClinGen allele CA8058414.

ClinVar aggregate classification (germline): Uncertain significance (1 of 4 stars; one submission).

Allele frequency attached by ClinVar (database versions not stated): ExAC 0.00002; gnomAD exomes 0.00002 and 0.00004; TOPMed 0.00002; gnomAD 0.00003.
gnomAD v4.1: 59 of 1,614,062 alleles (0.0037%); highest among the groups gnomAD compares: Non-Finnish European, 0.005%; no homozygotes.

Submission:

Labcorp Genetics (formerly Invitae), Labcorp
Classification: Uncertain significance. Last evaluated: 2024-10-24. Review status: criteria provided, single submitter. Criteria: Invitae Variant Classification Sherloc (09022015). Collection method: clinical testing. Allele origin: germline.
Comment: This sequence change replaces methionine, which is neutral and non-polar, with valine, which is neutral and non-polar, at codon 223 of the FTO protein (p.Met223Val). This variant is present in population databases (rs780601119, gnomAD 0.005%). This variant has not been reported in the literature in individuals affected with FTO-related conditions. ClinVar contains an entry for this variant (Variation ID: 1407011). Invitae Evidence Modeling of protein sequence and biophysical properties (such as structural, functional, and spatial information, amino acid conservation, physicochemical variation, residue mobility, and thermodynamic stability) indicates that this missense variant is not expected to disrupt FTO protein function with a negative predictive value of 80%. In summary, the available evidence is currently insufficient to determine the role of this variant in disease. Therefore, it has been classified as a Variant of Uncertain Significance.